The following is an entry in ClinVar:

NM_001447.3(FAT2):c.12751C>G (p.Leu4251Val)

Genes: SLC36A1 (solute carrier family 36 member 1; plus strand), FAT2 (FAT atypical cadherin 2; minus strand). Cytogenetic location: 5q33.1.
Variant type: single nucleotide variant.
Coding change: c.12751C>G on transcript NM_001447.3 (MANE Select); coding-DNA position 12751, C replaced by G.
Protein change: p.Leu4251Val; replaces leucine 4251 with valine.
Molecular consequence: missense variant.
Genome position (GRCh38, 1-based): chr5:151,505,864, G>C on the plus strand (C>G on the coding strand, the complement: FAT2 is on the minus strand). VCF-style: chr5-151505864-G-C. GRCh37 (hg19) VCF-style: chr5-150885425-G-C.
Other names: short protein forms L4251V.
Identifiers: ClinVar variation 2872455 (VCV002872455.3), dbSNP rs2480854274, ClinGen allele CA361815771.
Genomic context (GRCh38, chr5:151,505,864, plus strand): 5'-ACTCATTGAGACAGGGGGCAACCAGGCGCTCCCGGGGACTAGGGGGCCGAGAGGGCATCA[G>C]ATCTTCCAGGTTCTGGTTGCTGTAACGGGGTGGGAGAGGTGCCCGCTTGTTTTCCATCTC-3'
Protein context (NP_001438.1, residues 4241-4261): PRYSNQNLED[Leu4251Val]MPSRPPSPRE

ClinVar aggregate classification (germline): Uncertain significance (1 of 4 stars; one submission).

Allele frequency attached by ClinVar (database versions not stated): gnomAD exomes below 0.00001.
gnomAD v4.1: 1 of 1,608,392 alleles (0.000062%); highest among the groups gnomAD compares: Non-Finnish European, 0.000085%; no homozygotes.

Submission:

Labcorp Genetics (formerly Invitae), Labcorp
Classification: Uncertain significance. Last evaluated: 2023-01-29. Review status: criteria provided, single submitter. Criteria: Invitae Variant Classification Sherloc (09022015). Collection method: clinical testing. Allele origin: germline.
Comment: This variant is not present in population databases (gnomAD no frequency). In summary, the available evidence is currently insufficient to determine the role of this variant in disease. Therefore, it has been classified as a Variant of Uncertain Significance. Algorithms developed to predict the effect of missense changes on protein structure and function are either unavailable or do not agree on the potential impact of this missense change (SIFT: "Deleterious"; PolyPhen-2: "Benign"; Align-GVGD: "Class C0"). This variant has not been reported in the literature in individuals affected with FAT2-related conditions. This sequence change replaces leucine, which is neutral and non-polar, with valine, which is neutral and non-polar, at codon 4251 of the FAT2 protein (p.Leu4251Val).